The following is an entry in ClinVar:

NM_006946.4(SPTBN2):c.4855-5C>T

Gene: SPTBN2 (spectrin beta, non-erythrocytic 2; minus strand). Cytogenetic location: 11q13.2.
Variant type: single nucleotide variant.
Coding change: c.4855-5C>T on transcript NM_006946.4 (MANE Select); 5 bases into the intron before coding-DNA position 4855, C replaced by T.
Molecular consequence: intron variant.
Genome position (GRCh38, 1-based): chr11:66,693,105, G>A on the plus strand (C>T on the coding strand, the complement: SPTBN2 is on the minus strand). VCF-style: chr11-66693105-G-A. GRCh37 (hg19) VCF-style: chr11-66460576-G-A.
Other names: c.4876-5C>T (NM_001411025.1).
Identifiers: ClinVar variation 3336562 (VCV003336562.1).

ClinVar aggregate classification (germline): Uncertain significance (1 of 4 stars; one submission).

Submission:

Women's Health and Genetics/Laboratory Corporation of America, LabCorp
Classification: Uncertain significance. Last evaluated: 2024-05-16. Review status: criteria provided, single submitter. Criteria: LabCorp Variant Classification Summary - May 2015. Collection method: clinical testing. Allele origin: germline.
Comment: Variant summary: SPTBN2 c.4855-5C>T alters a non-conserved nucleotide located close to a canonical splice site and therefore could affect mRNA splicing, leading to a significantly altered protein sequence. The variant was absent in 251088 control chromosomes. The available data on variant occurrences in the general population are insufficient to allow any conclusion about variant significance. To our knowledge, no occurrence of c.4855-5C>T in individuals affected with Spinocerebellar Ataxia 5 and no experimental evidence demonstrating its impact on protein function have been reported. No submitters have cited clinical-significance assessments for this variant to ClinVar. Based on the evidence outlined above, the variant was classified as uncertain significance.